The following is an entry in ClinVar:

NM_001010867.4(IBA57):c.766A>T (p.Thr256Ser)

Gene: IBA57 (iron-sulfur cluster assembly factor IBA57; plus strand). Cytogenetic location: 1q42.13.
Variant type: single nucleotide variant.
Coding change: c.766A>T on transcript NM_001010867.4 (MANE Select); coding-DNA position 766, A replaced by T.
Protein change: p.Thr256Ser; replaces threonine 256 with serine.
Molecular consequence: missense variant.
Genome position (GRCh38, 1-based): chr1:228,175,208, A>T. VCF-style: chr1-228175208-A-T. GRCh37 (hg19) VCF-style: chr1-228362909-A-T.
Other names: c.187A>T, p.Thr63Ser (NM_001310327.2); short protein forms T63S, T256S.
Identifiers: ClinVar variation 1412918 (VCV001412918.8), dbSNP rs539057206, ClinGen allele CA1431247.

ClinVar aggregate classification (germline): Uncertain significance (1 of 4 stars; one submission).

Conditions:
Multiple mitochondrial dysfunctions syndrome 3 (MMDS3). Identifiers: Orphanet 363424, MedGen C3809165, MONDO:0014132, OMIM 615330.
Hereditary spastic paraplegia 74. Also called: Spastic paraplegia 74, autosomal recessive. Identifiers: Orphanet 468661, MedGen C5568837, MONDO:0014644, OMIM 616451.

Allele frequency attached by ClinVar (database versions not stated): gnomAD exomes below 0.00001; ExAC 0.00002; gnomAD 0.00002 and 0.00003; TOPMed 0.00003; 1000 Genomes Project 0.00040; 1000 Genomes Project 30x 0.00047.
gnomAD v4.1: 6 of 1,612,548 alleles (0.00037%); highest among the groups gnomAD compares: Admixed American, 0.01%; no homozygotes.

Submission:

Labcorp Genetics (formerly Invitae), Labcorp
Classification: Uncertain significance for Multiple mitochondrial dysfunctions syndrome 3; Hereditary spastic paraplegia 74. Last evaluated: 2025-01-15. Review status: criteria provided, single submitter. Criteria: Invitae Variant Classification Sherloc (09022015). Collection method: clinical testing. Allele origin: germline.
Comment: This sequence change replaces threonine, which is neutral and polar, with serine, which is neutral and polar, at codon 256 of the IBA57 protein (p.Thr256Ser). This variant is present in population databases (rs539057206, gnomAD 0.006%). This variant has not been reported in the literature in individuals affected with IBA57-related conditions. ClinVar contains an entry for this variant (Variation ID: 1412918). Invitae Evidence Modeling of protein sequence and biophysical properties (such as structural, functional, and spatial information, amino acid conservation, physicochemical variation, residue mobility, and thermodynamic stability) indicates that this missense variant is not expected to disrupt IBA57 protein function with a negative predictive value of 80%. In summary, the available evidence is currently insufficient to determine the role of this variant in disease. Therefore, it has been classified as a Variant of Uncertain Significance.